The following continues an entry in ClinVar:

NM_000492.4(CFTR):c.2856G>C (p.Met952Ile)

Gene: CFTR. ClinVar aggregate classification (germline): Conflicting classifications of pathogenicity. Pathogenic (12); Likely pathogenic (11); Uncertain significance (3).

Submissions 8 to 23 of 28:

GeneDx
Classification: Uncertain significance. Last evaluated: 2024-08-13. Review status: criteria provided, single submitter. Criteria: GeneDx Variant Classification Process June 2021. Collection method: clinical testing. Allele origin: germline. Affected: yes.
Comment: In silico analysis indicates that this missense variant does not alter protein structure/function; This variant is associated with the following publications: (PMID: 9254864, 9521595, 20021716, 18456578, 21520337, 34426522, 25033378, 28603918, 11446424, 29466940, 32003480, 16980811, 31005549, 35997436, 32773111, 15948195, 33572515, 15070876, 10200050, 26437683, 10601093, 15287992, 23276700, 20100616, 17975025, 16617247, 17329263, 29807875, 28544683, 34996830, 16272798, 33374015, 29484681, 27449771, Turkyilmaz2021[CaseReport], 34583889, 20797923, 37313453, 37823318, 38388235, 20977904, 10875853, 17003641, 14551163, 34949556, 27026144)

Revvity Omics, Revvity
Classification: Pathogenic. Last evaluated: 2024-08-06. Review status: criteria provided, single submitter. Criteria: ACMG Guidelines, 2015. Collection method: clinical testing. Allele origin: germline.

Blueprint Genetics
Classification: Pathogenic for CFTR-related disorders. Last evaluated: 2024-07-11. Review status: criteria provided, single submitter. Criteria: ACMG Guidelines, 2015. Collection method: clinical testing. Allele origin: germline. Affected: yes. Observed: 5 variant alleles.

Genomic Medicine Center of Excellence, King Faisal Specialist Hospital and Research Centre
Classification: Likely pathogenic for Cystic fibrosis. Last evaluated: 2024-03-29. Review status: criteria provided, single submitter. Criteria: ACMG Guidelines, 2015. Collection method: clinical testing. Allele origin: germline.

Fulgent Genetics
Classification: Likely pathogenic for Hereditary pancreatitis; Bronchiectasis with or without elevated sweat chloride 1; Cystic fibrosis; Congenital bilateral aplasia of vas deferens from CFTR mutation. Last evaluated: 2024-01-29. Review status: criteria provided, single submitter. Criteria: ACMG Guidelines, 2015. Collection method: clinical testing. Allele origin: germline.

ARUP Laboratories, Molecular Genetics and Genomics, ARUP Laboratories
Classification: Likely pathogenic for Cystic fibrosis; Bronchiectasis with or without elevated sweat chloride 1; Hereditary pancreatitis; Congenital bilateral aplasia of vas deferens from CFTR mutation. Last evaluated: 2024-01-09. Review status: criteria provided, single submitter. Criteria: ARUP Molecular Germline Variant Investigation Process 2024. Collection method: clinical testing. Allele origin: germline.
Comment: The CFTR c.2856G>C; p.Met952Ile variant (rs151048781) is reported in the literature in multiple individuals with congenital absence of the vas deferens (CBAVD), including in individuals with a second pathogenic CFTR variant (Dayangac 2004, Ratbi 2007, Steiner 2011, Uzun 2005). While this variant has also been reported in several individuals with cystic fibrosis (CF), one individual already carried two other pathogenic variants (Desgeorges 1997, Krenkova 2013). The p.Met952Ile variant is reported in ClinVar (Variation ID: 53580) and is found in the general population with an overall allele frequency of 0.008% (20/251352 alleles) in the Genome Aggregation Database. Computational analyses predict that this variant is deleterious (REVEL: 0.817). Another variant at this codon (p.Met952Thr) has been reported in individuals with CBAVD and is considered pathogenic (Casals 2000, Gilljam 2004, Wilschanski 2006). Though it is unclear if the p.Met952Ile variant causes classic CF, due to its strong association with CBAVD, this variant is considered to be likely pathogenic. References: Casals T et al. Heterogeneity for mutations in the CFTR gene and clinical correlations in patients with congenital absence of the vas deferens. Hum Reprod. 2000; 15(7):1476-83. PMID: 10875853. Dayangac D et al. Mutations of the CFTR gene in Turkish patients with congenital bilateral absence of the vas deferens. Hum Reprod. 2004 May;19(5):1094-100. PMID: 15070876. Desgeorges M et al. Cystic fibrosis in Lebanon: distribution of CFTR mutations among Arab communities. Hum Genet. 1997 Aug;100(2):279-83. PMID: 9254864. Gilljam M et al. Airway inflammation and infection in congenital bilateral absence of the vas deferens. Am J Respir Crit Care Med. 2004; 169(2):174-9. PMID: 14551163. Krenkova P et al. Distribution of CFTR mutations in the Czech population: positive impact of integrated clinical and laboratory expertise, detection of novel/de novo alleles and relevance for related/derived populations. J Cyst Fibros. 2013 Sep;12(5):532-7. PMID: 23276700. Ratbi I et al. Detection of cystic fibrosis transmembrane conductance regulator (CFTR) gene rearrangements enriches the mutation spectrum in congenital bilateral absence of the vas deferens and impacts on genetic counselling. Hum Reprod. 2007 May;22(5):1285-91. PMID: 17329263. Steiner B et al. Common CFTR haplotypes and susceptibility to chronic pancreatitis and congenital bilateral absence of the vas deferens. Hum Mutat. 2011 Aug;32(8):912-20. PMID: 21520337. Uzun S et al. Cystic fibrosis transmembrane conductance regulator gene mutations in infertile males with congenital bilateral absence of the vas deferens. Tohoku J Exp Med. 2005 Dec;207(4):279-85. PMID: 16272798. Wilschanski M et al. Mutations in the cystic fibrosis transmembrane regulator gene and in vivo transepithelial potentials. Am J Respir Crit Care Med. 2006; 174(7):787-94. PMID: 16840743.

Women's Health and Genetics/Laboratory Corporation of America, LabCorp
Classification: Pathogenic for Congenital bilateral aplasia of vas deferens from CFTR mutation. Last evaluated: 2023-12-11. Review status: criteria provided, single submitter. Criteria: LabCorp Variant Classification Summary - May 2015. Collection method: clinical testing. Allele origin: germline.
Comment: Variant summary: CFTR c.2856G>C (p.Met952Ile) results in a conservative amino acid change located in the ABC transporter type 1, transmembrane domain (IPR011527) of the encoded protein sequence. Three of five in-silico tools predict a damaging effect of the variant on protein function. The variant allele was found at a frequency of 8e-05 in 251352 control chromosomes. This frequency is not significantly higher than expected for a pathogenic variant in CFTR causing Congenital Bilateral Absence Of The Vas Deferens (8e-05 vs 0.013), allowing no conclusion about variant significance. c.2856G>C has been reported in the literature in compound heterozygosity with another pathogenic variant in multiple individuals affected with Congenital Bilateral Absence Of The Vas Deferens (CBAVD; e.g. de Meeus_1997, Claustres_2004, Dayangac_2004, Uzun_2005, Ratbi_2007, Steiner_2011, Akinsal_2018). These data indicate that the variant is very likely to be associated with CBAVD disease. The variant has also been reported in multiple individuals affected with cystic fibrosis, however in at least one case, two additional pathogenic mutations in CFTR were found (phase not specified; e.g. Kammesheidt_2006), and in others, a second pathogenic mutation was not reported, and therefore evidence for causality in these cases could not be established (e.g. Desgeorges_1997, Onay_1998, Quint_2005, Soltysova_2017). To our knowledge, no experimental evidence demonstrating an impact on protein function has been reported. A different variant that creates the same amino acid change has been reported as pathogenic for CBAVD by our lab (c.2856G>A). The following publications have been ascertained in the context of this evaluation (PMID: 29484681, 17975025, 15287992, 15070876, 9254864, 20797923, 20021716, 20100616, 16980811, 25033378, 9521595, 10601093, 15948195, 17329263, 33374015, 26437683, 28544683, 21520337, 16272798, 16617247, 10200050). 15 clinical diagnostic laboratories have submitted clinical-significance assessments for this variant to ClinVar after 2014 without evidence for independent evaluation. Multiple laboratories reported the variant with conflicting assessments: 12 submitters classified the variant as likely pathogenic/pathogenic while 3 classified as VUS. Based on the evidence outlined above, the variant was classified as pathogenic in association with CBAVD.

Baylor Genetics
Classification: Pathogenic for Bronchiectasis with or without elevated sweat chloride 1. Last evaluated: 2023-08-30. Review status: criteria provided, single submitter. Criteria: ACMG Guidelines, 2015. Collection method: clinical testing. Allele origin: unknown.

CeGaT Center for Human Genetics Tuebingen
Classification: Pathogenic. Last evaluated: 2023-05-01. Review status: criteria provided, single submitter. Criteria: CeGaT Center For Human Genetics Tuebingen Variant Classification Criteria Version 2. Collection method: clinical testing. Allele origin: germline. Affected: yes. Observed: 1 variant allele.
Comment: CFTR: PM3:Very Strong, PS1, PM2, PM5

MGZ Medical Genetics Center
Classification: Pathogenic for Congenital bilateral aplasia of vas deferens from CFTR mutation. Last evaluated: 2021-12-09. Review status: criteria provided, single submitter. Criteria: ACMG Guidelines, 2015. Collection method: clinical testing. Allele origin: germline. Affected: yes. Observed: 1 variant allele.
Comment: ACMG criteria applied: PM3_STR, PS4_MOD, PM5, PM2_SUP, PP3, PP4

Genome-Nilou Lab
Classification: Likely pathogenic for Cystic fibrosis. Last evaluated: 2021-05-18. Review status: criteria provided, single submitter. Criteria: ACMG Guidelines, 2015. Collection method: clinical testing. Allele origin: germline. Affected: no.

AiLife Diagnostics
Classification: Likely pathogenic. Last evaluated: 2020-07-23. Review status: criteria provided, single submitter. Criteria: ACMG Guidelines, 2015. Collection method: clinical testing. Allele origin: germline. Affected: yes. Observed: 1 variant allele.

Johns Hopkins Genomics, Johns Hopkins University
Classification: Uncertain significance for Cystic fibrosis. Last evaluated: 2020-03-02. Review status: criteria provided, single submitter. Criteria: ACMG Guidelines, 2015. Collection method: clinical testing. Allele origin: germline.

Baylor Genetics
Classification: Uncertain significance for Cystic fibrosis. Last evaluated: 2020-01-08. Review status: criteria provided, single submitter. Criteria: ACMG Guidelines, 2015. Collection method: clinical testing. Allele origin: unknown. Affected: yes.
Comment: This variant was determined to be of uncertain significance according to ACMG Guidelines, 2015 [PMID:25741868].

Eurofins Ntd Llc (ga)
Classification: Likely pathogenic. Last evaluated: 2018-05-17. Review status: criteria provided, single submitter. Criteria: EGL ClinVar v180209 classification definitions. Collection method: clinical testing. Allele origin: germline.

CFTR-France
Classification: Pathogenic for CFTR-related disorders. Last evaluated: 2018-01-29. Review status: criteria provided, single submitter. Criteria: Claustres M et al. (Hum Mutat 2017). Collection method: curation. Allele origin: germline. Affected: yes.